The following is an entry in ClinVar:

ClinVar aggregate classification (germline): Uncertain significance. Review status: criteria provided, multiple submitters, no conflicts (2 of 4 stars). 2 submissions from 2 submitters: Uncertain significance (2). Last evaluated 2024-01-16.

Conditions:
Pseudohypoaldosteronism type 2D (PHA2D). Also called: Pseudohypoaldosteronism Type IID; FAMILIAL HYPERKALEMIC HYPERTENSION; PSEUDOHYPOALDOSTERONISM, TYPE IID, AUTOSOMAL DOMINANT OR RECESSIVE. Identifiers: Orphanet 300525, Orphanet 757, MedGen C3469605, MONDO:0013781, OMIM 614495.

Submissions (2):

Fulgent Genetics
Classification: Uncertain significance for Pseudohypoaldosteronism type 2D. Last evaluated: 2024-01-16. Review status: criteria provided, single submitter. Criteria: ACMG Guidelines, 2015. Collection method: clinical testing. Allele origin: germline.

ARUP Laboratories, Molecular Genetics and Genomics, ARUP Laboratories
Classification: Uncertain significance. Last evaluated: 2018-03-21. Review status: criteria provided, single submitter. Criteria: ARUP Molecular Germline Variant Investigation Process. Collection method: clinical testing. Allele origin: germline.
Comment: The KLHL3: p.Asp372Asn variant has not been reported in the medical literature, gene specific variation databases, nor has it been previously identified by our laboratory. It is absent from general population databases such as 1000 Genomes, NHLBI GO Exome Sequencing Project (ESP), and the Genome Aggregation Database (gnomAD). The aspartic acid at position 372 is highly conserved up to C. elegans considering 12 species (Alamut v2.10) and computational analyses of the effects of the p.Asp372Asn variant on protein structure and function indicate a neutral effect (SIFT: tolerated, PolyPhen-2: benign). Considering the rarity of the minor allele frequency however, there is not enough evidence to classify the p.Asp372Asn variant with certainty.

NM_017415.3(KLHL3):c.1114G>A (p.Asp372Asn)

Gene: KLHL3 (kelch like family member 3; minus strand). Cytogenetic location: 5q31.2.
Variant type: single nucleotide variant.
Coding change: c.1114G>A on transcript NM_017415.3 (MANE Select); coding-DNA position 1114, G replaced by A.
Protein change: p.Asp372Asn; replaces aspartic acid 372 with asparagine.
Molecular consequence: missense variant.
Genome position (GRCh38, 1-based): chr5:137,639,058, C>T on the plus strand (G>A on the coding strand, the complement: KLHL3 is on the minus strand). VCF-style: chr5-137639058-C-T. GRCh37 (hg19) VCF-style: chr5-136974747-C-T.
Other names: c.1018G>A, p.Asp340Asn (NM_001257194.1); c.868G>A, p.Asp290Asn (NM_001257195.2); short protein forms D372N, D290N, D340N.
Identifiers: ClinVar variation 618191 (VCV000618191.9), dbSNP rs1561586248, ClinGen allele CA361048136.